The following is an entry in ClinVar:

ClinVar aggregate classification (germline): Uncertain significance. Review status: criteria provided, multiple submitters, no conflicts (2 of 4 stars). 2 submissions from 2 submitters: Uncertain significance (2). Last evaluated 2025-01-19.

Conditions:
Inborn genetic diseases. Identifiers: MedGen C0950123, MeSH D030342.

gnomAD v4.1: 3 of 1,612,904 alleles (0.00019%); highest among the groups gnomAD compares: Non-Finnish European, 0.00017%; no homozygotes.

Submissions (2):

Ambry Genetics
Classification: Uncertain significance for Inborn genetic diseases. Last evaluated: 2025-01-19. Review status: criteria provided, single submitter. Criteria: Ambry Variant Classification Scheme 2023. Collection method: clinical testing. Allele origin: germline.

Labcorp Genetics (formerly Invitae), Labcorp
Classification: Uncertain significance. Last evaluated: 2022-09-27. Review status: criteria provided, single submitter. Criteria: Invitae Variant Classification Sherloc (09022015). Collection method: clinical testing. Allele origin: germline.
Comment: Algorithms developed to predict the effect of missense changes on protein structure and function (SIFT, PolyPhen-2, Align-GVGD) all suggest that this variant is likely to be tolerated. In summary, the available evidence is currently insufficient to determine the role of this variant in disease. Therefore, it has been classified as a Variant of Uncertain Significance. This variant has not been reported in the literature in individuals affected with MRPS34-related conditions. This sequence change replaces isoleucine, which is neutral and non-polar, with lysine, which is basic and polar, at codon 203 of the MRPS34 protein (p.Ile203Lys). This variant is present in population databases (no rsID available, gnomAD 0.0009%).

NM_023936.2(MRPS34):c.587T>A (p.Ile196Lys)

Gene: MRPS34 (mitochondrial ribosomal protein S34; minus strand). Cytogenetic location: 16p13.3.
Variant type: single nucleotide variant.
Coding change: c.587T>A on transcript NM_023936.2 (MANE Select); coding-DNA position 587, T replaced by A.
Protein change: p.Ile196Lys; replaces isoleucine 196 with lysine.
Molecular consequence: missense variant.
Genome position (GRCh38, 1-based): chr16:1,772,291, A>T on the plus strand (T>A on the coding strand, the complement: MRPS34 is on the minus strand). VCF-style: chr16-1772291-A-T. GRCh37 (hg19) VCF-style: chr16-1822292-A-T.
Other names: c.587T>A (NM_023936.1); c.608T>A, p.Ile203Lys (NM_001300900.2); short protein forms I196K, I203K.
Identifiers: ClinVar variation 1938472 (VCV001938472.6), dbSNP rs780168141, ClinGen allele CA394242467.